The following is an entry in ClinVar:

ClinVar aggregate classification (germline): Uncertain significance (1 of 4 stars; one submission).

Conditions:
INO80-related disorder. Also called: INO80-related condition.

Allele frequency attached by ClinVar (database versions not stated): gnomAD exomes below 0.00001; ExAC 0.00001.
gnomAD v4.1: 1 of 1,608,128 alleles (0.000062%); highest among the groups gnomAD compares: Non-Finnish European, 0.000085%; no homozygotes.

Submission:

PreventionGenetics, part of Exact Sciences
Classification: Uncertain significance for INO80-related condition. Last evaluated: 2023-01-17. Review status: criteria provided, single submitter. Criteria: ACMG Guidelines, 2015. Collection method: clinical testing. Allele origin: germline.
Comment: The INO80 c.3815A>G variant is predicted to result in the amino acid substitution p.Glu1272Gly. To our knowledge, this variant has not been reported in the literature. This variant is reported in 0.00088% of alleles in individuals of European (Non-Finnish) descent in gnomAD. At this time, the clinical significance of this variant is uncertain due to the absence of conclusive functional and genetic evidence.

NM_017553.3(INO80):c.3815A>G (p.Glu1272Gly)

Gene: INO80 (INO80 complex ATPase subunit; minus strand). Cytogenetic location: 15q15.1.
Variant type: single nucleotide variant.
Coding change: c.3815A>G on transcript NM_017553.3 (MANE Select); coding-DNA position 3815, A replaced by G.
Protein change: p.Glu1272Gly; replaces glutamic acid 1272 with glycine.
Molecular consequence: missense variant. On other transcripts: non-coding transcript variant (1).
Genome position (GRCh38, 1-based): chr15:40,987,108, T>C on the plus strand (A>G on the coding strand, the complement: INO80 is on the minus strand). VCF-style: chr15-40987108-T-C. GRCh37 (hg19) VCF-style: chr15-41279306-T-C.
Other names: short protein forms E1272G.
Identifiers: ClinVar variation 2629038 (VCV002629038.1), dbSNP rs751810203, ClinGen allele CA7488660.